The following is an entry in ClinVar:

ClinVar aggregate classification (germline): Conflicting classifications of pathogenicity. Review status: criteria provided, conflicting classifications (1 of 4 stars). 3 submissions from 3 submitters: Pathogenic (1); Likely pathogenic (1); Uncertain significance (1). Last evaluated 2024-10-18.

Conditions:
Developmental and epileptic encephalopathy, 42 (DEE42A). Also called: Epileptic encephalopathy, early infantile, 42; DEVELOPMENTAL AND EPILEPTIC ENCEPHALOPATHY 42A; EPILEPTIC ENCEPHALOPATHY, EARLY INFANTILE, 42A. Identifiers: MedGen C4310716, MONDO:0014917, OMIM 617106.
Episodic ataxia type 2 (EA2). Also called: CEREBELLAR ATAXIA, PAROXYSMAL, ACETAZOLAMIDE-RESPONSIVE; CEREBELLOPATHY, HEREDITARY PAROXYSMAL; EPISODIC ATAXIA, NYSTAGMUS-ASSOCIATED; ATAXIA, EPISODIC, WITH NYSTAGMUS; ATAXIA, FAMILIAL PAROXYSMAL; ACETAZOLAMIDE-RESPONSIVE HEREDITARY PAROXYSMAL CEREBELLAR ATAXIA. Identifiers: Orphanet 97, MedGen C1720416, MONDO:0007163, OMIM 108500.

Submissions (3):

GeneDx
Classification: Pathogenic. Last evaluated: 2024-10-18. Review status: criteria provided, single submitter. Criteria: GeneDx Variant Classification Process June 2021. Collection method: clinical testing. Allele origin: germline. Affected: yes.
Comment: Not observed at significant frequency in large population cohorts (gnomAD); In silico analysis supports that this missense variant has a deleterious effect on protein structure/function; This variant is associated with the following publications: (PMID: 32238909)

Labcorp Genetics (formerly Invitae), Labcorp
Classification: Uncertain significance for Developmental and epileptic encephalopathy, 42; Episodic ataxia type 2. Last evaluated: 2020-05-04. Review status: criteria provided, single submitter. Criteria: Invitae Variant Classification Sherloc (09022015). Collection method: clinical testing. Allele origin: germline.
Comment: In summary, the available evidence is currently insufficient to determine the role of this variant in disease. Therefore, it has been classified as a Variant of Uncertain Significance. This sequence change replaces alanine with valine at codon 629 of the CACNA1A protein (p.Ala629Val). The alanine residue is highly conserved and there is a small physicochemical difference between alanine and valine. This variant is not present in population databases (ExAC no frequency). This variant has been observed in individual(s) with clinical features of CACNA1A-related conditions (PMID: 32238909). It is also known as p.Ala628Val in the literature. Algorithms developed to predict the effect of missense changes on protein structure and function (SIFT, PolyPhen-2, Align-GVGD) all suggest that this variant is likely to be disruptive, but these predictions have not been confirmed by published functional studies and their clinical significance is uncertain.

Cavalleri Lab, Royal College of Surgeons in Ireland
Classification: Likely pathogenic for Developmental and epileptic encephalopathy, 42. Last evaluated: 2019-12-11. Review status: criteria provided, single submitter. Criteria: ACMG Guidelines, 2015. Collection method: research. Allele origin: de novo. Inheritance: Sporadic. Affected: yes.
Comment: ACMG evidence PS2, PM2, PP2, PP3

Literature cited by the submitters: PubMed 32238909 (cited by Labcorp Genetics (formerly Invitae), Labcorp and Cavalleri Lab, Royal College of Surgeons in Ireland).

NM_001127222.2(CACNA1A):c.1883C>T (p.Ala628Val)

Gene: CACNA1A (calcium voltage-gated channel subunit alpha1 A; minus strand). Cytogenetic location: 19p13.13.
Variant type: single nucleotide variant.
Coding change: c.1883C>T on transcript NM_001127222.2 (MANE Select); coding-DNA position 1883, C replaced by T.
Protein change: p.Ala628Val; replaces alanine 628 with valine.
Molecular consequence: missense variant.
Genome position (GRCh38, 1-based): chr19:13,308,150, G>A on the plus strand (C>T on the coding strand, the complement: CACNA1A is on the minus strand). VCF-style: chr19-13308150-G-A. GRCh37 (hg19) VCF-style: chr19-13418964-G-A.
Other names: c.1886C>T, p.Ala629Val (NM_000068.4, NM_001127221.2, NM_001174080.2 and 1 more transcripts); short protein forms A629V, A628V.
Identifiers: ClinVar variation 640420 (VCV000640420.11), dbSNP rs1600292507, ClinGen allele CA404344774.